The following is an entry in ClinVar:

NM_000016.6(ACADM):c.949C>A (p.Gln317Lys)

Gene: ACADM (acyl-CoA dehydrogenase medium chain; plus strand). Cytogenetic location: 1p31.1.
Variant type: single nucleotide variant.
Coding change: c.949C>A on transcript NM_000016.6 (MANE Select); coding-DNA position 949, C replaced by A.
Protein change: p.Gln317Lys; replaces glutamine 317 with lysine.
Molecular consequence: missense variant.
Genome position (GRCh38, 1-based): chr1:75,761,125, C>A. VCF-style: chr1-75761125-C-A. GRCh37 (hg19) VCF-style: chr1-76226810-C-A.
Other names: c.961C>A, p.Gln321Lys (NM_001127328.3); c.841C>A, p.Gln281Lys (NM_001286042.2); c.1048C>A, p.Gln350Lys (NM_001286043.2); c.382C>A, p.Gln128Lys (NM_001286044.2); short protein forms Q321K, Q350K, Q128K, Q281K, Q317K.
Identifiers: ClinVar variation 4743378 (VCV004743378.1).
Genomic context (GRCh38, chr1:75,761,125, plus strand): 5'-AAAAACTTTTAAGTTTTCTCAATAAATATCCTTTAATTTTTTTCTTTTTAATTCTAGCAC[C>A]AAGCAATATCATTTATGCTGGCTGAAATGGCAATGAAAGTTGAACTAGCTAGAATGAGTT-3'
Protein context (NP_000007.1, residues 307-327): KTFGKLLVEH[Gln317Lys]AISFMLAEMA

ClinVar aggregate classification (germline): Likely pathogenic (1 of 4 stars; one submission).

Conditions:
Medium-chain acyl-coenzyme A dehydrogenase deficiency (ACADMD). Also called: Medium chain acyl-CoA dehydrogenase deficiency; CARNITINE DEFICIENCY SECONDARY TO MEDIUM-CHAIN ACYL-CoA DEHYDROGENASE DEFICIENCY; ACADM DEFICIENCY; MCADH DEFICIENCY; MCAD Deficiency; MCADD. Identifiers: Orphanet 42, MedGen C0220710, MONDO:0008721, OMIM 201450.

Submission:

Labcorp Genetics (formerly Invitae), Labcorp
Classification: Likely pathogenic for Medium-chain acyl-coenzyme A dehydrogenase deficiency. Last evaluated: 2025-10-20. Review status: criteria provided, single submitter. Criteria: Invitae Variant Classification Sherloc (09022015). Collection method: clinical testing. Allele origin: germline.
Comment: This sequence change replaces glutamine, which is neutral and polar, with lysine, which is basic and polar, at codon 317 of the ACADM protein (p.Gln317Lys). This variant is not present in population databases (gnomAD no frequency). This missense change has been observed in individual(s) with clinical features of medium-chain acyl-coenzyme A dehydrogenase deficiency (internal data). In at least one individual the data is consistent with being in trans (on the opposite chromosome) from a pathogenic variant. Invitae Evidence Modeling of protein sequence and biophysical properties (such as structural, functional, and spatial information, amino acid conservation, physicochemical variation, residue mobility, and thermodynamic stability) indicates that this missense variant is expected to disrupt ACADM protein function with a positive predictive value of 80%. This variant disrupts the p.Gln317 amino acid residue in ACADM. Other variant(s) that disrupt this residue have been determined to be pathogenic (internal data). This suggests that this residue is clinically significant, and that variants that disrupt this residue are likely to be disease-causing. In summary, the currently available evidence indicates that the variant is pathogenic, but additional data are needed to prove that conclusively. Therefore, this variant has been classified as Likely Pathogenic.